The following is an entry in ClinVar:

NM_007254.4(PNKP):c.925G>A (p.Ala309Thr)

Gene: PNKP (polynucleotide kinase 3'-phosphatase; minus strand). Cytogenetic location: 19q13.33.
Variant type: single nucleotide variant.
Coding change: c.925G>A on transcript NM_007254.4 (MANE Select); coding-DNA position 925, G replaced by A.
Protein change: p.Ala309Thr; replaces alanine 309 with threonine.
Molecular consequence: missense variant.
Genome position (GRCh38, 1-based): chr19:49,862,549, C>T on the plus strand (G>A on the coding strand, the complement: PNKP is on the minus strand). VCF-style: chr19-49862549-C-T. GRCh37 (hg19) VCF-style: chr19-50365806-C-T.
Other names: short protein forms A309T.
Identifiers: ClinVar variation 936976 (VCV000936976.6), dbSNP rs202022265, ClinGen allele CA9586707.

ClinVar aggregate classification (germline): Uncertain significance (1 of 4 stars; one submission).

Conditions:
Developmental and epileptic encephalopathy, 12 (DEE12). Identifiers: MedGen C3150988, MONDO:0013389, OMIM 613722.

Allele frequency attached by ClinVar (database versions not stated): gnomAD exomes below 0.00001 and 0.00001; gnomAD 0.00001; TOPMed 0.00001; ExAC 0.00004; 1000 Genomes Project 0.00020; 1000 Genomes Project 30x 0.00031.

Submission:

Labcorp Genetics (formerly Invitae), Labcorp
Classification: Uncertain significance for Developmental and epileptic encephalopathy, 12. Last evaluated: 2022-07-05. Review status: criteria provided, single submitter. Criteria: Invitae Variant Classification Sherloc (09022015). Collection method: clinical testing. Allele origin: germline.
Comment: This variant has not been reported in the literature in individuals affected with PNKP-related conditions. This sequence change replaces alanine, which is neutral and non-polar, with threonine, which is neutral and polar, at codon 309 of the PNKP protein (p.Ala309Thr). This variant is present in population databases (rs202022265, gnomAD 0.01%). ClinVar contains an entry for this variant (Variation ID: 936976). Algorithms developed to predict the effect of missense changes on protein structure and function are either unavailable or do not agree on the potential impact of this missense change (SIFT: "Deleterious"; PolyPhen-2: "Possibly Damaging"; Align-GVGD: "Class C0"). In summary, the available evidence is currently insufficient to determine the role of this variant in disease. Therefore, it has been classified as a Variant of Uncertain Significance.